The following is an entry in ClinVar:

NM_018136.5(ASPM):c.5843G>A (p.Arg1948His)

Gene: ASPM (assembly factor for spindle microtubules; minus strand). Cytogenetic location: 1q31.3.
Variant type: single nucleotide variant.
Coding change: c.5843G>A on transcript NM_018136.5 (MANE Select); coding-DNA position 5843, G replaced by A.
Protein change: p.Arg1948His; replaces arginine 1948 with histidine.
Molecular consequence: missense variant. On other transcripts: intron variant (1).
Genome position (GRCh38, 1-based): chr1:197,103,408, C>T on the plus strand (G>A on the coding strand, the complement: ASPM is on the minus strand). VCF-style: chr1-197103408-C-T. GRCh37 (hg19) VCF-style: chr1-197072538-C-T.
Other names: c.4066-7244G>A (NM_001206846.2); short protein forms R1948H.
Identifiers: ClinVar variation 1359079 (VCV001359079.6), dbSNP rs373196055, ClinGen allele CA1309679.

ClinVar aggregate classification (germline): Uncertain significance (1 of 4 stars; one submission).

Allele frequency attached by ClinVar (database versions not stated): gnomAD 0.00004 and 0.00005; ESP Exome Variant Server 0.00008.
gnomAD v4.1: 60 of 1,613,084 alleles (0.0037%); highest among the groups gnomAD compares: Middle Eastern, 0.033%; no homozygotes.

Submission:

Labcorp Genetics (formerly Invitae), Labcorp
Classification: Uncertain significance. Last evaluated: 2025-08-18. Review status: criteria provided, single submitter. Criteria: Invitae Variant Classification Sherloc (09022015). Collection method: clinical testing. Allele origin: germline.
Comment: This sequence change replaces arginine, which is basic and polar, with histidine, which is basic and polar, at codon 1948 of the ASPM protein (p.Arg1948His). This variant is present in population databases (rs373196055, gnomAD 0.03%). This variant has not been reported in the literature in individuals affected with ASPM-related conditions. ClinVar contains an entry for this variant (Variation ID: 1359079). Invitae Evidence Modeling of protein sequence and biophysical properties (such as structural, functional, and spatial information, amino acid conservation, physicochemical variation, residue mobility, and thermodynamic stability) indicates that this missense variant is not expected to disrupt ASPM protein function with a negative predictive value of 80%. In summary, the available evidence is currently insufficient to determine the role of this variant in disease. Therefore, it has been classified as a Variant of Uncertain Significance.